The following is an entry in ClinVar:

ClinVar aggregate classification (germline): Benign/Likely benign. Review status: criteria provided, multiple submitters, no conflicts (2 of 4 stars). 4 submissions from 4 submitters: Benign (2); Likely benign (2). Last evaluated 2026-09-01.

Conditions:
PUF60-related disorder. Also called: PUF60-related condition.

Allele frequency attached by ClinVar (database versions not stated): 1000 Genomes Project 30x 0.00109; gnomAD 0.00509 and 0.00542; TOPMed 0.00033; ESP Exome Variant Server 0.00041; 1000 Genomes Project 0.00060.
gnomAD v4.1: 3,983 of 1,612,628 alleles (0.25%); highest among the groups gnomAD compares: South Asian, 0.026%; 122 homozygotes.

Submissions (4):

CeGaT Center for Human Genetics Tuebingen
Classification: Likely benign. Last evaluated: 2026-09-01. Review status: criteria provided, single submitter. Criteria: CeGaT Center For Human Genetics Tuebingen Variant Classification Criteria Version 2. Collection method: clinical testing. Allele origin: germline. Affected: yes. Observed: 3 variant alleles.
Comment: PUF60: BP4, BP7

PreventionGenetics, part of Exact Sciences
Classification: Benign for PUF60-related condition. Last evaluated: 2026-06-01. Review status: criteria provided, single submitter. Criteria: ACMG Guidelines, 2015. Collection method: clinical testing. Allele origin: germline.
Comment: This variant is classified as benign based on ACMG/AMP sequence variant interpretation guidelines (Richards et al. 2015 PMID: 25741868, with internal and published modifications).

Blueprint Genetics
Classification: Likely benign. Last evaluated: 2024-11-14. Review status: criteria provided, single submitter. Criteria: ACMG Guidelines, 2015. Collection method: clinical testing. Allele origin: germline.

Labcorp Genetics (formerly Invitae), Labcorp
Classification: Benign. Last evaluated: 2019-12-31. Review status: criteria provided, single submitter. Criteria: Invitae Variant Classification Sherloc (09022015). Collection method: clinical testing. Allele origin: germline.

NM_078480.3(PUF60):c.60G>A (p.Pro20=)

Gene: PUF60 (poly(U) binding splicing factor 60; minus strand). Cytogenetic location: 8q24.3.
Variant type: single nucleotide variant.
Coding change: c.60G>A on transcript NM_078480.3 (MANE Select); coding-DNA position 60, G replaced by A.
Protein change: p.Pro20=; no amino-acid change (proline 20 retained).
Molecular consequence: synonymous variant. On other transcripts: 5 prime UTR variant (2), genic upstream transcript variant (2).
Genome position (GRCh38, 1-based): chr8:143,824,364, C>T on the plus strand (G>A on the coding strand, the complement: PUF60 is on the minus strand). VCF-style: chr8-143824364-C-T. GRCh37 (hg19) VCF-style: chr8-144906534-C-T.
Other names: c.-70G>A (NM_001136033.3, NM_001271100.2); c.57G>A, p.Pro19= (NM_001271096.2, NM_001271098.2); c.171G>A, p.Pro57= (NM_001362895.2, NM_001362896.2, NM_001362897.2); c.60G>A, p.Pro20= (NM_014281.5); c.25-2451G>A (NM_001271097.2, NM_001271099.2).
Identifiers: ClinVar variation 735920 (VCV000735920.34), dbSNP rs369353284, ClinGen allele CA187593272.
Genomic context (GRCh38, chr8:143,824,364, plus strand): 5'-GGTCAGTACCTGTGGAGGTTTCCATTTGTCTCCCGCTGCCACCACTGCCGCCGCCGCCGC[C>T]GGCTCGGACCCCCCTCCTTGCTGGCCATTGACCTGCTGCAGGCAGGAAGGAGATGTTGTA-3'
Protein context (NP_510965.1, residues 10-30): VNGQQGGGSE[Pro20=]AAAAAVVAAG